The following is an entry in ClinVar:

NM_020765.3(UBR4):c.11531G>A (p.Arg3844Gln)

Gene: UBR4 (ubiquitin protein ligase E3 component n-recognin 4; minus strand). Cytogenetic location: 1p36.13.
Variant type: single nucleotide variant.
Coding change: c.11531G>A on transcript NM_020765.3 (MANE Select); coding-DNA position 11531, G replaced by A.
Protein change: p.Arg3844Gln; replaces arginine 3844 with glutamine.
Molecular consequence: missense variant.
Genome position (GRCh38, 1-based): chr1:19,112,794, C>T on the plus strand (G>A on the coding strand, the complement: UBR4 is on the minus strand). VCF-style: chr1-19112794-C-T. GRCh37 (hg19) VCF-style: chr1-19439288-C-T.
Other names: short protein forms R3844Q.
Identifiers: ClinVar variation 4866306 (VCV004866306.1).
Genomic context (GRCh38, chr1:19,112,794, plus strand): 5'-CAGCCCAGGACGGATAAGGCACGGTACTGGCTGGCAGTGAATGTGGGCTGCACGGAGGTC[C>T]GGGATGATTTAGTGGCTGCTTCCCTCTGCTGTAGGTCATATTCCAACAACTCTTTGCGCG-3'
Protein context (NP_065816.2, residues 3834-3854): QQREAATKSS[Arg3844Gln]TSVQPTFTAS

ClinVar aggregate classification (germline): Uncertain significance (1 of 4 stars; one submission).

gnomAD v4.1: 21 of 1,614,008 alleles (0.0013%); highest among the groups gnomAD compares: Non-Finnish European, 0.0015%; no homozygotes.

Submission:

Ambry Genetics
Classification: Uncertain significance. Last evaluated: 2026-04-16. Review status: criteria provided, single submitter. Criteria: Ambry Variant Classification Scheme 2023. Collection method: clinical testing. Allele origin: germline.
Comment: The c.11531G>A (p.R3844Q) alteration is located in exon 78 (coding exon 78) of the UBR4 gene. This alteration results from a G to A substitution at nucleotide position 11531, causing the arginine (R) at amino acid position 3844 to be replaced by a glutamine (Q). Based on data from gnomAD, the A allele has an overall frequency of 0.001% (2/282388) total alleles studied. The highest observed frequency was 0.002% (2/128798) of European (non-Finnish) alleles. Based on insufficient or conflicting evidence, the clinical significance of this alteration remains unclear.